The following is an entry in ClinVar:

NM_198578.4(LRRK2):c.6682A>C (p.Asn2228His)

Gene: LRRK2 (leucine rich repeat kinase 2; plus strand). Cytogenetic location: 12q12.
Variant type: single nucleotide variant.
Coding change: c.6682A>C on transcript NM_198578.4 (MANE Select); coding-DNA position 6682, A replaced by C.
Protein change: p.Asn2228His; replaces asparagine 2228 with histidine.
Molecular consequence: missense variant.
Genome position (GRCh38, 1-based): chr12:40,354,404, A>C. VCF-style: chr12-40354404-A-C. GRCh37 (hg19) VCF-style: chr12-40748206-A-C.
Other names: short protein forms N2228H.
Identifiers: ClinVar variation 3540744 (VCV003540744.1).

ClinVar aggregate classification (germline): Uncertain significance (1 of 4 stars; one submission).

Conditions:
Inborn genetic diseases. Identifiers: MedGen C0950123, MeSH D030342.

gnomAD v4.1: 1 of 1,614,112 alleles (0.000062%); highest among the groups gnomAD compares: African/African-American, 0.0013%; no homozygotes.

Submission:

Ambry Genetics
Classification: Uncertain significance for Inborn genetic diseases. Last evaluated: 2024-10-21. Review status: criteria provided, single submitter. Criteria: Ambry Variant Classification Scheme 2023. Collection method: clinical testing. Allele origin: germline.
Comment: The p.N2228H variant (also known as c.6682A>C), located in coding exon 45 of the LRRK2 gene, results from an A to C substitution at nucleotide position 6682. The asparagine at codon 2228 is replaced by histidine, an amino acid with similar properties. This amino acid position is conserved. In addition, this alteration is predicted to be tolerated by in silico analysis. Based on the available evidence, the clinical significance of this variant remains unclear.